The following is an entry in ClinVar:

NM_002860.4(ALDH18A1):c.2276C>T (p.Thr759Ile)

Gene: ALDH18A1 (aldehyde dehydrogenase 18 family member A1; minus strand). Cytogenetic location: 10q24.1.
Variant type: single nucleotide variant.
Coding change: c.2276C>T on transcript NM_002860.4 (MANE Select); coding-DNA position 2276, C replaced by T.
Protein change: p.Thr759Ile; replaces threonine 759 with isoleucine.
Molecular consequence: missense variant.
Genome position (GRCh38, 1-based): chr10:95,606,874, G>A on the plus strand (C>T on the coding strand, the complement: ALDH18A1 is on the minus strand). VCF-style: chr10-95606874-G-A. GRCh37 (hg19) VCF-style: chr10-97366631-G-A.
Other names: c.2270C>T, p.Thr757Ile (NM_001017423.2, NM_001323415.2); c.1943C>T, p.Thr648Ile (NM_001323412.2, NM_001323416.2); c.2276C>T, p.Thr759Ile (NM_001323413.2, NM_001323414.2); c.2171C>T, p.Thr724Ile (NM_001323417.2); c.1937C>T, p.Thr646Ile (NM_001323418.2); c.1640C>T, p.Thr547Ile (NM_001323419.2); short protein forms T757I, T547I, T646I, T724I, T648I, T759I.
Identifiers: ClinVar variation 664573 (VCV000664573.11), dbSNP rs781126562, ClinGen allele CA5620092.

ClinVar aggregate classification (germline): Uncertain significance. Review status: criteria provided, multiple submitters, no conflicts (2 of 4 stars). 2 submissions from 2 submitters: Uncertain significance (2). Last evaluated 2025-09-11.

Conditions:
Cutis laxa, autosomal dominant 3 (ADCL3). Identifiers: Orphanet 90348, MedGen C4225268, MONDO:0014706, OMIM 616603.
Autosomal dominant spastic paraplegia type 9. Identifiers: MedGen C1832669, MONDO:0015091.
de Barsy syndrome. Also called: Cutis laxa-corneal clouding-oligophrenia syndrome. Identifiers: Orphanet 2962, MedGen C0268354, MONDO:0017569.
ALDH18A1-related disorder. Also called: ALDH18A1-related disorders.

Allele frequency attached by ClinVar (database versions not stated): ExAC 0.00002; TOPMed 0.00002; gnomAD 0.00003 and 0.00004; gnomAD exomes 0.00003.
gnomAD v4.1: 38 of 1,614,044 alleles (0.0024%); highest among the groups gnomAD compares: Non-Finnish European, 0.0031%; no homozygotes.

Submissions (2):

Labcorp Genetics (formerly Invitae), Labcorp
Classification: Uncertain significance for Autosomal dominant spastic paraplegia type 9; de Barsy syndrome; Cutis laxa, autosomal dominant 3. Last evaluated: 2025-09-11. Review status: criteria provided, single submitter. Criteria: Invitae Variant Classification Sherloc (09022015). Collection method: clinical testing. Allele origin: germline.
Comment: This sequence change replaces threonine, which is neutral and polar, with isoleucine, which is neutral and non-polar, at codon 759 of the ALDH18A1 protein (p.Thr759Ile). This variant is present in population databases (rs781126562, gnomAD 0.008%). This variant has not been reported in the literature in individuals affected with ALDH18A1-related conditions. ClinVar contains an entry for this variant (Variation ID: 664573). Invitae Evidence Modeling of protein sequence and biophysical properties (such as structural, functional, and spatial information, amino acid conservation, physicochemical variation, residue mobility, and thermodynamic stability) has been performed for this missense variant. However, the output from this modeling did not meet the statistical confidence thresholds required to predict the impact of this variant on ALDH18A1 protein function. In summary, the available evidence is currently insufficient to determine the role of this variant in disease. Therefore, it has been classified as a Variant of Uncertain Significance.

PreventionGenetics, part of Exact Sciences
Classification: Uncertain significance for ALDH18A1-related condition. Last evaluated: 2023-02-21. Review status: criteria provided, single submitter. Criteria: ACMG Guidelines, 2015. Collection method: clinical testing. Allele origin: germline.
Comment: The ALDH18A1 c.2276C>T variant is predicted to result in the amino acid substitution p.Thr759Ile. To our knowledge, this variant has not been reported in the literature. This variant is reported in 0.0070% of alleles in individuals of European (Non-Finnish) descent in gnomAD. At this time, the clinical significance of this variant is uncertain due to the absence of conclusive functional and genetic evidence.